The following is an entry in ClinVar:

NM_000574.5(CD55):c.2dup (p.Met1fs)

Gene: CD55 (CD55 molecule (Cromer blood group); plus strand). Cytogenetic location: 1q32.2.
Variant type: Duplication.
Coding change: c.2dup on transcript NM_000574.5 (MANE Select); coding-DNA position 2, one base duplicated (T; older notation c.2dupT).
Protein change: p.Met1fs; shifts the reading frame from methionine 1.
Molecular consequence: frameshift variant, initiator codon variant. On other transcripts: non-coding transcript variant (1).
Genome position (GRCh38, 1-based): chr1:207,321,767, T duplicated. VCF-style (leftmost placement, unchanged base first): chr1-207321766-A-AT. GRCh37 (hg19) VCF-style: chr1-207495111-A-AT.
Other names: c.2dup, p.Met1fs (NM_001114752.3, NM_001300902.2, NM_001300903.2 and 1 more transcripts); short protein forms M1fs.
Identifiers: ClinVar variation 1466405 (VCV001466405.9), dbSNP rs2102369399, ClinGen allele CA2573131501.
Genomic context (GRCh38, chr1:207,321,766, plus strand): 5'-GGGCGTAGCTGCGACTCGGCGGAGTCCCGGCGGCGCGTCCTTGTTCTAACCCGGCGCGCC[A>AT]TGACCGTCGCGCGGCCGAGCGTGCCCGCGGCGCTGCCCCTCCTCGGGGAGCTGCCCCGGC-3'

ClinVar aggregate classification (germline): Uncertain significance (1 of 4 stars; one submission).

Submission:

Labcorp Genetics (formerly Invitae), Labcorp
Classification: Uncertain significance. Last evaluated: 2022-10-13. Review status: criteria provided, single submitter. Criteria: Invitae Variant Classification Sherloc (09022015). Collection method: clinical testing. Allele origin: germline.
Comment: This sequence change affects the initiator methionine of the CD55 mRNA. The next in-frame methionine is located at codon 259. This variant is not present in population databases (gnomAD no frequency). This variant has not been reported in the literature in individuals affected with CD55-related conditions. ClinVar contains an entry for this variant (Variation ID: 1466405). Experimental studies and prediction algorithms are not available or were not evaluated, and the functional significance of this variant is currently unknown. In summary, the available evidence is currently insufficient to determine the role of this variant in disease. Therefore, it has been classified as a Variant of Uncertain Significance.